The following is an entry in ClinVar:

NM_001999.4(FBN2):c.6059G>T (p.Cys2020Phe)

Gene: FBN2 (fibrillin 2; minus strand). Cytogenetic location: 5q23.3.
Variant type: single nucleotide variant.
Coding change: c.6059G>T on transcript NM_001999.4 (MANE Select); coding-DNA position 6059, G replaced by T.
Protein change: p.Cys2020Phe; replaces cysteine 2020 with phenylalanine.
Molecular consequence: missense variant.
Genome position (GRCh38, 1-based): chr5:128,300,924, C>A on the plus strand (G>T on the coding strand, the complement: FBN2 is on the minus strand). VCF-style: chr5-128300924-C-A. GRCh37 (hg19) VCF-style: chr5-127636616-C-A.
Other names: short protein forms C2020F.
Identifiers: ClinVar variation 3381531 (VCV003381531.1).

ClinVar aggregate classification (germline): Uncertain significance (1 of 4 stars; one submission).

Submission:

GeneDx
Classification: Uncertain significance. Last evaluated: 2024-05-23. Review status: criteria provided, single submitter. Criteria: GeneDx Variant Classification Process June 2021. Collection method: clinical testing. Allele origin: germline. Affected: yes.
Comment: Not observed at significant frequency in large population cohorts (gnomAD); In silico analysis supports that this missense variant has a deleterious effect on protein structure/function; Has not been previously published as pathogenic or benign to our knowledge; This variant is associated with the following publications: (PMID: 19006240, 18767143)